The following is an entry in ClinVar:

NM_152443.3(RDH12):c.643G>C (p.Ala215Pro)

Genes: GPHN (gephyrin; plus strand), RDH12 (retinol dehydrogenase 12; plus strand). Cytogenetic location: 14q24.1.
Variant type: single nucleotide variant.
Coding change: c.643G>C on transcript NM_152443.3 (MANE Select); coding-DNA position 643, G replaced by C.
Protein change: p.Ala215Pro; replaces alanine 215 with proline.
Molecular consequence: missense variant.
Genome position (GRCh38, 1-based): chr14:67,727,175, G>C. VCF-style: chr14-67727175-G-C. GRCh37 (hg19) VCF-style: chr14-68193892-G-C.
Other names: c.643G>C (NM_152443.2); short protein forms A215P.
Identifiers: ClinVar variation 2094916 (VCV002094916.6), dbSNP rs2503813041, ClinGen allele CA390151621.

ClinVar aggregate classification (germline): Conflicting classifications of pathogenicity. Review status: criteria provided, conflicting classifications (1 of 4 stars). 2 submissions from 2 submitters: Likely pathogenic (1); Uncertain significance (1). Last evaluated 2025-12-05.

Conditions:
Leber congenital amaurosis 13 (LCA13). Identifiers: MedGen C2675186, MONDO:0012990, OMIM 612712.
Leber congenital amaurosis (LCA). Also called: Leber's amaurosis. Identifiers: Orphanet 65, MedGen C0339527, MeSH D057130, MONDO:0018998.

Submissions (2):

Natera, Inc.
Classification: Likely pathogenic for Leber congenital amaurosis. Last evaluated: 2025-12-05. Review status: criteria provided, single submitter. Criteria: Natera Variant Classification Schema (03/2026). Collection method: clinical testing. Allele origin: germline.
Comment: The c.643G>C variant in RDH12 is a missense variant predicted to cause substitution of alanine to proline at amino acid 215. This variant is rare in the general population with a frequency below the threshold expected for the associated phenotype(s). This variant has been observed in one or more individuals affected with the associated recessive disease, as either homozygous or compound heterozygous with a second variant (PMID: 37714431). This variant has been identified in one or more affected individual with a phenotype highly consistent with the associated gene (PMID: 37714431). Computational prediction algorithms indicate this variant is likely to affect gene or protein function. Given the available evidence, this variant is classified as Likely Pathogenic.

Labcorp Genetics (formerly Invitae), Labcorp
Classification: Uncertain significance for Leber congenital amaurosis 13. Last evaluated: 2022-03-25. Review status: criteria provided, single submitter. Criteria: Invitae Variant Classification Sherloc (09022015). Collection method: clinical testing. Allele origin: germline.
Comment: In summary, the available evidence is currently insufficient to determine the role of this variant in disease. Therefore, it has been classified as a Variant of Uncertain Significance. Algorithms developed to predict the effect of missense changes on protein structure and function are either unavailable or do not agree on the potential impact of this missense change (SIFT: "Deleterious"; PolyPhen-2: "Probably Damaging"; Align-GVGD: "Class C0"). This variant has not been reported in the literature in individuals affected with RDH12-related conditions. This variant is not present in population databases (gnomAD no frequency). This sequence change replaces alanine, which is neutral and non-polar, with proline, which is neutral and non-polar, at codon 215 of the RDH12 protein (p.Ala215Pro).

Literature cited by the submitters: PubMed 37714431 (cited by Natera, Inc.).